The following is an entry in ClinVar:

ClinVar aggregate classification (germline): Uncertain significance. Review status: criteria provided, multiple submitters, no conflicts (2 of 4 stars). 2 submissions from 2 submitters: Uncertain significance (2). Last evaluated 2024-04-27.

Conditions:
Bardet-Biedl syndrome 20. Identifiers: MedGen C4310707, MONDO:0023670, OMIM 619471, MONDO:0014926.
Retinitis pigmentosa 71 (RP71). Identifiers: Orphanet 791, MedGen C4225342, MONDO:0014618, OMIM 616394.
Short-rib thoracic dysplasia 10 with or without polydactyly (SRTD10). Identifiers: Orphanet 474, MedGen C3810175, MONDO:0014284, OMIM 615630.

Allele frequency attached by ClinVar (database versions not stated): gnomAD exomes below 0.00001; gnomAD 0.00001; TOPMed 0.00001.
gnomAD v4.1: 6 of 1,614,042 alleles (0.00037%); highest among the groups gnomAD compares: African/African-American, 0.0067%; no homozygotes.

Submissions (2):

Fulgent Genetics
Classification: Uncertain significance for Short-rib thoracic dysplasia 10 with or without polydactyly; Retinitis pigmentosa 71; Bardet-Biedl syndrome 20. Last evaluated: 2024-04-27. Review status: criteria provided, single submitter. Criteria: ACMG Guidelines, 2015. Collection method: clinical testing. Allele origin: germline.

Labcorp Genetics (formerly Invitae), Labcorp
Classification: Uncertain significance for Retinitis pigmentosa 71; Short-rib thoracic dysplasia 10 with or without polydactyly. Last evaluated: 2022-11-21. Review status: criteria provided, single submitter. Criteria: Invitae Variant Classification Sherloc (09022015). Collection method: clinical testing. Allele origin: germline.
Comment: In summary, the available evidence is currently insufficient to determine the role of this variant in disease. Therefore, it has been classified as a Variant of Uncertain Significance. Advanced modeling of protein sequence and biophysical properties (such as structural, functional, and spatial information, amino acid conservation, physicochemical variation, residue mobility, and thermodynamic stability) performed at Invitae indicates that this missense variant is expected to disrupt IFT172 protein function. ClinVar contains an entry for this variant (Variation ID: 957239). This variant has not been reported in the literature in individuals affected with IFT172-related conditions. The frequency data for this variant in the population databases is considered unreliable, as metrics indicate poor data quality at this position in the gnomAD database. This sequence change replaces tyrosine, which is neutral and polar, with cysteine, which is neutral and slightly polar, at codon 994 of the IFT172 protein (p.Tyr994Cys).

NM_015662.3(IFT172):c.2981A>G (p.Tyr994Cys)

Gene: IFT172 (intraflagellar transport 172; minus strand). Cytogenetic location: 2p23.3.
Variant type: single nucleotide variant.
Coding change: c.2981A>G on transcript NM_015662.3 (MANE Select); coding-DNA position 2981, A replaced by G.
Protein change: p.Tyr994Cys; replaces tyrosine 994 with cysteine.
Molecular consequence: missense variant.
Genome position (GRCh38, 1-based): chr2:27,457,971, T>C on the plus strand (A>G on the coding strand, the complement: IFT172 is on the minus strand). VCF-style: chr2-27457971-T-C. GRCh37 (hg19) VCF-style: chr2-27680838-T-C.
Other names: short protein forms Y994C.
Identifiers: ClinVar variation 957239 (VCV000957239.10), dbSNP rs994624984, ClinGen allele CA44493840.